The following is an entry in ClinVar:

ClinVar aggregate classification (germline): Pathogenic (1 of 4 stars; one submission).

Conditions:
Otospondylomegaepiphyseal dysplasia, autosomal recessive (OSMEDB). Also called: CHONDRODYSTROPHY WITH SENSORINEURAL DEAFNESS; Insley-Astley syndrome. Identifiers: Orphanet 1427, MedGen CN034493, MONDO:0044206, OMIM 215150.

Submission:

Institute of Human Genetics, University of Leipzig Medical Center
Classification: Pathogenic for Otospondylomegaepiphyseal dysplasia, autosomal recessive. Last evaluated: 2022-12-16. Review status: criteria provided, single submitter. Criteria: ACMG Guidelines, 2015. Collection method: clinical testing. Allele origin: biparental. Affected: yes.
Comment: This variant was identified as homozygous._x000D_ Criteria applied: PVS1, PM3, PM2_SUP

NM_080680.3(COL11A2):c.2086del (p.Glu696fs)

Gene: COL11A2 (collagen type XI alpha 2 chain; minus strand). Cytogenetic location: 6p21.32.
Variant type: Deletion.
Coding change: c.2086del on transcript NM_080680.3 (MANE Select); coding-DNA position 2086, one base deleted (G; older notation c.2086delG).
Protein change: p.Glu696fs; shifts the reading frame from glutamic acid 696.
Molecular consequence: frameshift variant.
Genome position (GRCh38, 1-based): chr6:33,176,750, C deleted on the plus strand (G on the coding strand, the reverse complement: COL11A2 is on the minus strand); the first of 2 consecutive C bases (chr6:33,176,750-33,176,751); deleting either gives the same sequence. VCF-style (leftmost placement, unchanged base first): chr6-33176749-TC-T. GRCh37 (hg19) VCF-style: chr6-33144526-TC-T.
Other names: c.1765del, p.Glu589fs (NM_080679.3); c.1828del, p.Glu610fs (NM_080681.3); short protein forms E589fs, E610fs, E696fs.
Identifiers: ClinVar variation 1804120 (VCV001804120.1), dbSNP rs2535107319, ClinGen allele CA2580074347.